The following is an entry in ClinVar:

NM_000245.4(MET):c.3454dup (p.Ser1152fs)

Gene: MET (MET proto-oncogene, receptor tyrosine kinase; plus strand). Cytogenetic location: 7q31.2.
Variant type: Duplication.
Coding change: c.3454dup on transcript NM_000245.4 (MANE Select); coding-DNA position 3454, one base duplicated (T; older notation c.3454dupT).
Protein change: p.Ser1152fs; shifts the reading frame from serine 1152.
Molecular consequence: frameshift variant.
Genome position (GRCh38, 1-based): chr7:116,778,889, T duplicated. VCF-style (leftmost placement, unchanged base first): chr7-116778888-G-GT. GRCh37 (hg19) VCF-style: chr7-116418942-G-GT.
Other names: c.3508dup, p.Ser1170fs (NM_001127500.3); c.2164dup, p.Ser722fs (NM_001324402.2); c.3508dupT (NM_001127500.1); short protein forms S722fs, S1152fs, S1170fs.
Identifiers: ClinVar variation 4106730 (VCV004106730.1).

ClinVar aggregate classification (germline): Uncertain significance (1 of 4 stars; one submission).

Conditions:
Hereditary cancer-predisposing syndrome. Also called: Tumor predisposition; Neoplastic Syndromes, Hereditary; Hereditary neoplastic syndrome; Hereditary Cancer Syndrome. Identifiers: Orphanet 140162, MedGen C0027672, MeSH D009386, MONDO:0015356.

Submission:

Ambry Genetics
Classification: Uncertain significance for Hereditary cancer-predisposing syndrome. Last evaluated: 2025-06-19. Review status: criteria provided, single submitter. Criteria: Ambry Variant Classification Scheme 2023. Collection method: clinical testing. Allele origin: germline.
Comment: The c.3508dupT variant, located in coding exon 16 of the MET gene, results from a duplication of T at nucleotide position 3508, causing a translational frameshift with a predicted alternate stop codon (p.S1170Ffs*21). This alteration is expected to result in loss of function by premature protein truncation or nonsense-mediated mRNA decay. However, loss of function of MET has not been established as a mechanism of disease. Based on the available evidence, the clinical significance of this alteration remains unclear.